The following is an entry in ClinVar:

NM_001111125.3(IQSEC2):c.2053G>A (p.Glu685Lys)

Gene: IQSEC2 (IQ motif and Sec7 domain ArfGEF 2; minus strand). Cytogenetic location: Xp11.22.
Variant type: single nucleotide variant.
Coding change: c.2053G>A on transcript NM_001111125.3 (MANE Select); coding-DNA position 2053, G replaced by A.
Protein change: p.Glu685Lys; replaces glutamic acid 685 with lysine.
Molecular consequence: missense variant.
Genome position (GRCh38, 1-based): chrX:53,250,523, C>T on the plus strand (G>A on the coding strand, the complement: IQSEC2 is on the minus strand). VCF-style: chrX-53250523-C-T. GRCh37 (hg19) VCF-style: chrX-53279705-C-T.
Other names: c.1438G>A, p.Glu480Lys (NM_015075.2); short protein forms E685K, E480K.
Identifiers: ClinVar variation 471266 (VCV000471266.17), dbSNP rs781830206, ClinGen allele CA10419981.

ClinVar aggregate classification (germline): Conflicting classifications of pathogenicity. Review status: criteria provided, conflicting classifications (1 of 4 stars). 3 submissions from 3 submitters: Uncertain significance (2); Benign (1). Last evaluated 2024-07-01.

Conditions:
Intellectual developmental disorder, X-linked 1. Also called: MENTAL RETARDATION, X-LINKED 18; MENTAL RETARDATION, X-LINKED 78; Intellectual disability, X-linked 1; Atkin Flaitz Patil Smith syndrome. Identifiers: Orphanet 777, MedGen C2931498, MONDO:0010656, OMIM 309530.

Allele frequency attached by ClinVar (database versions not stated): gnomAD 0.00004 and 0.00005; ExAC 0.00005; 1000 Genomes Project 30x 0.00021; TOPMed 0.00002; 1000 Genomes Project 0.00026; gnomAD exomes 0.00002 and 0.00003.
gnomAD v4.1: 22 of 1,210,458 alleles (0.0018%); highest among the groups gnomAD compares: East Asian, 0.021%; no homozygotes.

Submissions (3):

Labcorp Genetics (formerly Invitae), Labcorp
Classification: Benign for Intellectual developmental disorder, X-linked 1. Last evaluated: 2024-07-01. Review status: criteria provided, single submitter. Criteria: Invitae Variant Classification Sherloc (09022015). Collection method: clinical testing. Allele origin: germline.

Fulgent Genetics
Classification: Uncertain significance for Intellectual developmental disorder, X-linked 1. Last evaluated: 2018-10-31. Review status: criteria provided, single submitter. Criteria: ACMG Guidelines, 2015. Collection method: clinical testing. Allele origin: unknown.

Institute for Genomic Medicine (IGM) Clinical Laboratory, Nationwide Children's Hospital
Classification: Uncertain significance for Intellectual developmental disorder, X-linked 1. Last evaluated: 2018-10-11. Review status: criteria provided, single submitter. Criteria: ACMG Guidelines, 2015. Collection method: clinical testing. Allele origin: germline. Affected: yes.
Comment: BP5.